The following is an entry in ClinVar:

ClinVar aggregate classification (germline): Uncertain significance (1 of 4 stars; one submission).

Conditions:
Frontotemporal dementia and/or amyotrophic lateral sclerosis 1 (FTDALS1). Also called: Frontotemporal dementia with motor neuron disease 1; C9orf72 Frontotemporal Dementia and/or Amyotrophic Lateral Sclerosis. Identifiers: Orphanet 275872, MedGen C5779877, MONDO:0007105, OMIM 105550.
Paget disease of bone 2, early-onset (PDB2). Also called: Paget disease of bone 2. Identifiers: MedGen C4085251, MONDO:0011183, OMIM 602080.

Submission:

Labcorp Genetics (formerly Invitae), Labcorp
Classification: Uncertain significance for Paget disease of bone 2, early-onset; Frontotemporal dementia and/or amyotrophic lateral sclerosis 1. Last evaluated: 2025-01-08. Review status: criteria provided, single submitter. Criteria: Invitae Variant Classification Sherloc (09022015). Collection method: clinical testing. Allele origin: germline.
Comment: This sequence change replaces glycine, which is neutral and non-polar, with alanine, which is neutral and non-polar, at codon 194 of the SQSTM1 protein (p.Gly194Ala). This variant is not present in population databases (gnomAD no frequency). This variant has not been reported in the literature in individuals affected with SQSTM1-related conditions. Invitae Evidence Modeling of protein sequence and biophysical properties (such as structural, functional, and spatial information, amino acid conservation, physicochemical variation, residue mobility, and thermodynamic stability) indicates that this missense variant is not expected to disrupt SQSTM1 protein function with a negative predictive value of 80%. In summary, the available evidence is currently insufficient to determine the role of this variant in disease. Therefore, it has been classified as a Variant of Uncertain Significance.

NM_003900.5(SQSTM1):c.581G>C (p.Gly194Ala)

Gene: SQSTM1 (sequestosome 1; plus strand). Cytogenetic location: 5q35.3.
Variant type: single nucleotide variant.
Coding change: c.581G>C on transcript NM_003900.5 (MANE Select); coding-DNA position 581, G replaced by C.
Protein change: p.Gly194Ala; replaces glycine 194 with alanine.
Molecular consequence: missense variant.
Genome position (GRCh38, 1-based): chr5:179,824,231, G>C. VCF-style: chr5-179824231-G-C. GRCh37 (hg19) VCF-style: chr5-179251231-G-C.
Other names: c.329G>C, p.Gly110Ala (NM_001142298.2, NM_001142299.2); short protein forms G110A, G194A.
Identifiers: ClinVar variation 3757804 (VCV003757804.2).